The following is an entry in ClinVar:

NM_000318.3(PEX2):c.32C>A (p.Ala11Glu)

Gene: PEX2 (peroxisomal biogenesis factor 2; minus strand). Cytogenetic location: 8q21.13.
Variant type: single nucleotide variant.
Coding change: c.32C>A on transcript NM_000318.3 (MANE Select); coding-DNA position 32, C replaced by A.
Protein change: p.Ala11Glu; replaces alanine 11 with glutamic acid.
Molecular consequence: missense variant.
Genome position (GRCh38, 1-based): chr8:76,984,147, G>T on the plus strand (C>A on the coding strand, the complement: PEX2 is on the minus strand). VCF-style: chr8-76984147-G-T. GRCh37 (hg19) VCF-style: chr8-77896383-G-T.
Other names: c.32C>A, p.Ala11Glu (NM_001079867.2, NM_001172086.2, NM_001172087.2); short protein forms A11E.
Identifiers: ClinVar variation 2186388 (VCV002186388.3), dbSNP rs1806935405, ClinGen allele CA371558240.

ClinVar aggregate classification (germline): Uncertain significance (1 of 4 stars; one submission).

Conditions:
Peroxisome biogenesis disorder 5A (Zellweger) (PBD5A). Identifiers: Orphanet 912, MedGen C3553940, MONDO:0013932, OMIM 614866.

Allele frequency attached by ClinVar (database versions not stated): gnomAD exomes below 0.00001; TOPMed below 0.00001.
gnomAD v4.1: 1 of 1,614,044 alleles (0.000062%); highest among the groups gnomAD compares: Admixed American, 0.0017%; no homozygotes.

Submission:

Labcorp Genetics (formerly Invitae), Labcorp
Classification: Uncertain significance for Peroxisome biogenesis disorder 5A (Zellweger). Last evaluated: 2023-05-01. Review status: criteria provided, single submitter. Criteria: Invitae Variant Classification Sherloc (09022015). Collection method: clinical testing. Allele origin: germline.
Comment: An algorithm developed to predict the effect of missense changes on protein structure and function (PolyPhen-2) suggests that this variant¬† is likely to be tolerated. In summary, the available evidence is currently insufficient to determine the role of this variant in disease. Therefore, it has been classified as a Variant of Uncertain Significance. ClinVar contains an entry for this variant (Variation ID: 2186388). This sequence change replaces alanine, which is neutral and non-polar, with glutamic acid, which is acidic and polar, at codon 11 of the PEX2 protein (p.Ala11Glu). This variant is not present in population databases (gnomAD no frequency). This variant has not been reported in the literature in individuals affected with PEX2-related conditions.